The following is an entry in ClinVar:

ClinVar aggregate classification (germline): Uncertain significance. Review status: criteria provided, multiple submitters, no conflicts (2 of 4 stars). 2 submissions from 2 submitters: Uncertain significance (2). Last evaluated 2025-08-11.

Conditions:
Inborn genetic diseases. Identifiers: MedGen C0950123, MeSH D030342.

gnomAD v4.1: 1 of 1,613,358 alleles (0.000062%); highest among the groups gnomAD compares: Non-Finnish European, 0.000085%; no homozygotes.

Submissions (2):

Ambry Genetics
Classification: Uncertain significance for Inborn genetic diseases. Last evaluated: 2025-08-11. Review status: criteria provided, single submitter. Criteria: Ambry Variant Classification Scheme 2023. Collection method: clinical testing. Allele origin: germline.

Labcorp Genetics (formerly Invitae), Labcorp
Classification: Uncertain significance. Last evaluated: 2025-01-06. Review status: criteria provided, single submitter. Criteria: Invitae Variant Classification Sherloc (09022015). Collection method: clinical testing. Allele origin: germline.
Comment: This sequence change replaces aspartic acid, which is acidic and polar, with glycine, which is neutral and non-polar, at codon 1092 of the POLR3A protein (p.Asp1092Gly). This variant is not present in population databases (gnomAD no frequency). This variant has not been reported in the literature in individuals affected with POLR3A-related conditions. Invitae Evidence Modeling of protein sequence and biophysical properties (such as structural, functional, and spatial information, amino acid conservation, physicochemical variation, residue mobility, and thermodynamic stability) indicates that this missense variant is not expected to disrupt POLR3A protein function with a negative predictive value of 80%. In summary, the available evidence is currently insufficient to determine the role of this variant in disease. Therefore, it has been classified as a Variant of Uncertain Significance.

NM_007055.4(POLR3A):c.3275A>G (p.Asp1092Gly)

Genes: POLR3A (RNA polymerase III subunit A; minus strand), LOC126860970 (BRD4-independent group 4 enhancer GRCh37_chr10:79743812-79745011; plus strand). Cytogenetic location: 10q22.3.
Variant type: single nucleotide variant.
Coding change: c.3275A>G on transcript NM_007055.4 (MANE Select); coding-DNA position 3275, A replaced by G.
Protein change: p.Asp1092Gly; replaces aspartic acid 1092 with glycine.
Molecular consequence: missense variant.
Genome position (GRCh38, 1-based): chr10:77,984,266, T>C on the plus strand (A>G on the coding strand, the complement: POLR3A is on the minus strand). VCF-style: chr10-77984266-T-C. GRCh37 (hg19) VCF-style: chr10-79744024-T-C.
Other names: c.3275A>G (NM_007055.3); short protein forms D1092G.
Identifiers: ClinVar variation 3694315 (VCV003694315.2).